The following is an entry in ClinVar:

ClinVar aggregate classification (germline): Uncertain significance (1 of 4 stars; one submission).

Conditions:
Glycine encephalopathy. Also called: Non-ketotic hyperglycinemia; Nonketotic hyperglycinemia. Identifiers: Orphanet 407, MedGen C0751748, MONDO:0011612, HP:0008288.

Allele frequency attached by ClinVar (database versions not stated): TOPMed below 0.00001.

Submission:

Labcorp Genetics (formerly Invitae), Labcorp
Classification: Uncertain significance for Glycine encephalopathy. Last evaluated: 2024-11-18. Review status: criteria provided, single submitter. Criteria: Invitae Variant Classification Sherloc (09022015). Collection method: clinical testing. Allele origin: germline.
Comment: This sequence change replaces glycine, which is neutral and non-polar, with glutamic acid, which is acidic and polar, at codon 304 of the AMT protein (p.Gly304Glu). This variant is not present in population databases (gnomAD no frequency). This variant has not been reported in the literature in individuals affected with AMT-related conditions. ClinVar contains an entry for this variant (Variation ID: 1498656). Invitae Evidence Modeling of protein sequence and biophysical properties (such as structural, functional, and spatial information, amino acid conservation, physicochemical variation, residue mobility, and thermodynamic stability) indicates that this missense variant is expected to disrupt AMT protein function with a positive predictive value of 95%. In summary, the available evidence is currently insufficient to determine the role of this variant in disease. Therefore, it has been classified as a Variant of Uncertain Significance.

NM_000481.4(AMT):c.911G>A (p.Gly304Glu)

Gene: AMT (aminomethyltransferase; minus strand). Cytogenetic location: 3p21.31.
Variant type: single nucleotide variant.
Coding change: c.911G>A on transcript NM_000481.4 (MANE Select); coding-DNA position 911, G replaced by A.
Protein change: p.Gly304Glu; replaces glycine 304 with glutamic acid.
Molecular consequence: missense variant. On other transcripts: non-coding transcript variant (1).
Genome position (GRCh38, 1-based): chr3:49,417,940, C>T on the plus strand (G>A on the coding strand, the complement: AMT is on the minus strand). VCF-style: chr3-49417940-C-T. GRCh37 (hg19) VCF-style: chr3-49455373-C-T.
Other names: c.779G>A, p.Gly260Glu (NM_001164710.2); c.743G>A, p.Gly248Glu (NM_001164711.2); c.911G>A, p.Gly304Glu (NM_001164712.2); short protein forms G248E, G304E, G260E.
Identifiers: ClinVar variation 1498656 (VCV001498656.6), dbSNP rs2049027770, ClinGen allele CA352789575.